The following is an entry in ClinVar:

ClinVar aggregate classification (germline): Uncertain significance (1 of 4 stars; one submission).

Conditions:
Hereditary cancer-predisposing syndrome. Also called: Neoplastic Syndromes, Hereditary; Tumor predisposition; Hereditary neoplastic syndrome; Hereditary Cancer Syndrome. Identifiers: Orphanet 140162, MedGen C0027672, MeSH D009386, MONDO:0015356.

gnomAD v4.1: 1 of 1,613,186 alleles (0.000062%); highest among the groups gnomAD compares: Non-Finnish European, 0.000085%; no homozygotes.

Submission:

Ambry Genetics
Classification: Uncertain significance for Hereditary cancer-predisposing syndrome. Last evaluated: 2026-06-15. Review status: criteria provided, single submitter. Criteria: Ambry Variant Classification Scheme 2023. Collection method: clinical testing. Allele origin: germline.
Comment: The p.T590A variant (also known as c.1768A>G), located in coding exon 11 of the RAD50 gene, results from an A to G substitution at nucleotide position 1768. The threonine at codon 590 is replaced by alanine, an amino acid with similar properties. This amino acid position is conserved. In addition, this alteration is predicted to be tolerated by in silico analysis. Based on the available evidence, the clinical significance of this variant remains unclear.

NM_005732.4(RAD50):c.1768A>G (p.Thr590Ala)

Gene: RAD50 (RAD50 double strand break repair protein; plus strand). Cytogenetic location: 5q31.1.
Variant type: single nucleotide variant.
Coding change: c.1768A>G on transcript NM_005732.4 (MANE Select); coding-DNA position 1768, A replaced by G.
Protein change: p.Thr590Ala; replaces threonine 590 with alanine.
Molecular consequence: missense variant.
Genome position (GRCh38, 1-based): chr5:132,592,009, A>G. VCF-style: chr5-132592009-A-G. GRCh37 (hg19) VCF-style: chr5-131927701-A-G.
Other names: short protein forms T590A.
Identifiers: ClinVar variation 5027695 (VCV005027695.1).